The following is an entry in ClinVar:

ClinVar aggregate classification (germline): Uncertain significance (1 of 4 stars; one submission).

Allele frequency attached by ClinVar (database versions not stated): gnomAD exomes below 0.00001; ExAC 0.00001.
gnomAD v4.1: 1 of 1,614,118 alleles (0.000062%); highest among the groups gnomAD compares: Admixed American, 0.0017%; no homozygotes.

Submission:

Labcorp Genetics (formerly Invitae), Labcorp
Classification: Uncertain significance. Last evaluated: 2023-07-17. Review status: criteria provided, single submitter. Criteria: Invitae Variant Classification Sherloc (09022015). Collection method: clinical testing. Allele origin: germline.
Comment: In summary, the available evidence is currently insufficient to determine the role of this variant in disease. Therefore, it has been classified as a Variant of Uncertain Significance. Advanced modeling of protein sequence and biophysical properties (such as structural, functional, and spatial information, amino acid conservation, physicochemical variation, residue mobility, and thermodynamic stability) performed at Invitae indicates that this missense variant is not expected to disrupt IMPG2 protein function. ClinVar contains an entry for this variant (Variation ID: 2089870). This variant has not been reported in the literature in individuals affected with IMPG2-related conditions. This variant is present in population databases (rs750947779, gnomAD 0.006%). This sequence change replaces isoleucine, which is neutral and non-polar, with valine, which is neutral and non-polar, at codon 729 of the IMPG2 protein (p.Ile729Val).

NM_016247.4(IMPG2):c.2185A>G (p.Ile729Val)

Gene: IMPG2 (interphotoreceptor matrix proteoglycan 2; minus strand). Cytogenetic location: 3q12.3.
Variant type: single nucleotide variant.
Coding change: c.2185A>G on transcript NM_016247.4 (MANE Select); coding-DNA position 2185, A replaced by G.
Protein change: p.Ile729Val; replaces isoleucine 729 with valine.
Molecular consequence: missense variant.
Genome position (GRCh38, 1-based): chr3:101,244,146, T>C on the plus strand (A>G on the coding strand, the complement: IMPG2 is on the minus strand). VCF-style: chr3-101244146-T-C. GRCh37 (hg19) VCF-style: chr3-100962990-T-C.
Other names: short protein forms I729V.
Identifiers: ClinVar variation 2089870 (VCV002089870.4), dbSNP rs750947779, ClinGen allele CA2519028.
Genomic context (GRCh38, chr3:101,244,146, plus strand): 5'-GTTCCATATCCTCCCTTAGGATGGCATCTGCCTGATCTGATTTATCAGTAGAGGCAGAGA[T>C]TGCTACAGATGTCAGTATAAGAGGTGCTTTGGTAACTGAGTAATCATCAACACCAGGTAC-3'
Protein context (NP_057331.2, residues 719-739): KAPLILTSVA[Ile729Val]SASTDKSDQA